The following is an entry in ClinVar:

ClinVar aggregate classification (germline): Likely benign (0 of 4 stars; one submission).

Conditions:
KIRREL3-related disorder. Also called: KIRREL3-related condition.

Allele frequency attached by ClinVar (database versions not stated): 1000 Genomes Project 30x 0.00016; 1000 Genomes Project 0.00020; ESP Exome Variant Server 0.00024; ExAC 0.00042; TOPMed 0.00043; gnomAD 0.00044.
gnomAD v4.1: 300 of 1,535,800 alleles (0.02%); highest among the groups gnomAD compares: African/African-American, 0.16%; no homozygotes.

Submission:

PreventionGenetics, part of Exact Sciences
Classification: Likely benign for KIRREL3-related condition. Last evaluated: 2020-10-23. Review status: no assertion criteria provided. Collection method: clinical testing. Allele origin: germline.
Comment: This variant is classified as likely benign based on ACMG/AMP sequence variant interpretation guidelines (Richards et al. 2015 PMID: 25741868, with internal and published modifications).

NM_032531.4(KIRREL3):c.434-4G>A

Gene: KIRREL3 (kirre like nephrin family adhesion molecule 3; minus strand). Cytogenetic location: 11q24.2.
Variant type: single nucleotide variant.
Coding change: c.434-4G>A on transcript NM_032531.4 (MANE Select); 4 bases into the intron before coding-DNA position 434, G replaced by A.
Molecular consequence: intron variant.
Genome position (GRCh38, 1-based): chr11:126,473,470, C>T on the plus strand (G>A on the coding strand, the complement: KIRREL3 is on the minus strand). VCF-style: chr11-126473470-C-T. GRCh37 (hg19) VCF-style: chr11-126343365-C-T.
Other names: c.434-4G>A (NM_001441257.1, NM_001441258.1, NM_001441261.1 and 8 more transcripts); c.284-4G>A (NM_001441262.1); c.542-4G>A (NM_001441252.1); c.392-4G>A (NM_001441260.1, NM_001441259.1, NM_001441255.1).
Identifiers: ClinVar variation 3047941 (VCV003047941.2), dbSNP rs373478176, ClinGen allele CA6356239.